The following is an entry in ClinVar:

ClinVar aggregate classification (germline): Uncertain significance (1 of 4 stars; one submission).

Conditions:
Holoprosencephaly 2 (HPE2). Identifiers: Orphanet 2162, MedGen C1834877, MONDO:0007999, OMIM 157170.

Submission:

Labcorp Genetics (formerly Invitae), Labcorp
Classification: Uncertain significance for Holoprosencephaly 2. Last evaluated: 2022-11-08. Review status: criteria provided, single submitter. Criteria: Invitae Variant Classification Sherloc (09022015). Collection method: clinical testing. Allele origin: germline.
Comment: Algorithms developed to predict the effect of missense changes on protein structure and function (SIFT, PolyPhen-2, Align-GVGD) all suggest that this variant is likely to be tolerated. In summary, the available evidence is currently insufficient to determine the role of this variant in disease. Therefore, it has been classified as a Variant of Uncertain Significance. ClinVar contains an entry for this variant (Variation ID: 1481593). This sequence change replaces serine, which is neutral and polar, with threonine, which is neutral and polar, at codon 31 of the SIX3 protein (p.Ser31Thr). This variant is not present in population databases (gnomAD no frequency). This variant has not been reported in the literature in individuals affected with SIX3-related conditions.

NM_005413.4(SIX3):c.92G>C (p.Ser31Thr)

Gene: SIX3 (SIX homeobox 3; plus strand). Cytogenetic location: 2p21.
Variant type: single nucleotide variant.
Coding change: c.92G>C on transcript NM_005413.4 (MANE Select); coding-DNA position 92, G replaced by C.
Protein change: p.Ser31Thr; replaces serine 31 with threonine.
Molecular consequence: missense variant.
Genome position (GRCh38, 1-based): chr2:44,942,196, G>C. VCF-style: chr2-44942196-G-C. GRCh37 (hg19) VCF-style: chr2-45169335-G-C.
Other names: short protein forms S31T.
Identifiers: ClinVar variation 1481593 (VCV001481593.8), dbSNP rs2103641025, ClinGen allele CA346798863.